The following is an entry in ClinVar:

ClinVar aggregate classification (germline): Benign/Likely benign. Review status: criteria provided, multiple submitters, no conflicts (2 of 4 stars). 6 submissions from 6 submitters: Benign (3); Likely benign (3). Last evaluated 2026-07-08.

Conditions:
Hereditary cancer-predisposing syndrome. Also called: Hereditary Cancer Syndrome; Tumor predisposition; Hereditary neoplastic syndrome; Neoplastic Syndromes, Hereditary. Identifiers: Orphanet 140162, MedGen C0027672, MeSH D009386, MONDO:0015356.
Intellectual disability, autosomal dominant 16 (CSS4). Also called: COFFIN-SIRIS SYNDROME 4. Identifiers: Orphanet 1465, MedGen C3553249, MONDO:0013821, OMIM 614609.
Rhabdoid tumor predisposition syndrome 2 (RTPS2). Identifiers: Orphanet 231108, Orphanet 69077, MedGen C2750074, MONDO:0013224, OMIM 613325.

Allele frequency attached by ClinVar (database versions not stated): gnomAD 0.00001 and 0.00017; gnomAD exomes 0.00019 and 0.00036; TOPMed 0.00003; 1000 Genomes Project 0.00160; ExAC 0.00050; 1000 Genomes Project 30x 0.00156.
gnomAD v4.1: 309 of 1,612,374 alleles (0.019%); highest among the groups gnomAD compares: South Asian, 0.3%; 2 homozygotes.

Submissions (6):

Myriad Genetics, Inc.
Classification: Benign for Rhabdoid tumor predisposition syndrome 2. Last evaluated: 2026-07-08. Review status: criteria provided, single submitter. Criteria: Myriad Autosomal Dominant, Autosomal Recessive and X-Linked Classification Criteria (2023). Collection method: clinical testing. Allele origin: unknown.
Comment: This variant is considered benign. This variant is a silent/synonymous amino acid change and it is not expected to impact splicing.

Labcorp Genetics (formerly Invitae), Labcorp
Classification: Benign for Rhabdoid tumor predisposition syndrome 2. Last evaluated: 2026-02-02. Review status: criteria provided, single submitter. Criteria: Invitae Variant Classification Sherloc (09022015). Collection method: clinical testing. Allele origin: germline.

CeGaT Center for Human Genetics Tuebingen
Classification: Likely benign. Last evaluated: 2025-11-01. Review status: criteria provided, single submitter. Criteria: CeGaT Center For Human Genetics Tuebingen Variant Classification Criteria Version 2. Collection method: clinical testing. Allele origin: germline. Affected: yes. Observed: 2 variant alleles.
Comment: SMARCA4: BP4, BP7

Sema4
Classification: Likely benign for Hereditary cancer-predisposing syndrome. Last evaluated: 2021-09-20. Review status: criteria provided, single submitter. Criteria: Sema4 Curation Guidelines. Collection method: curation. Allele origin: germline.

Genome-Nilou Lab
Classification: Benign for Intellectual disability, autosomal dominant 16. Last evaluated: 2021-07-15. Review status: criteria provided, single submitter. Criteria: ACMG Guidelines, 2015. Collection method: clinical testing. Allele origin: germline. Affected: no.

Ambry Genetics
Classification: Likely benign for Hereditary cancer-predisposing syndrome. Last evaluated: 2015-12-04. Review status: criteria provided, single submitter. Criteria: Ambry Variant Classification Scheme 2023. Collection method: clinical testing. Allele origin: germline.

NM_003072.5(SMARCA4):c.54G>A (p.Pro18=)

Gene: SMARCA4 (SWI/SNF related BAF chromatin remodeling complex subunit ATPase 4; plus strand). Cytogenetic location: 19p13.2.
Variant type: single nucleotide variant.
Coding change: c.54G>A on transcript NM_003072.5 (MANE Select); coding-DNA position 54, G replaced by A.
Protein change: p.Pro18=; no amino-acid change (proline 18 retained).
Molecular consequence: synonymous variant. On other transcripts: non-coding transcript variant (1).
Genome position (GRCh38, 1-based): chr19:10,984,205, G>A. VCF-style: chr19-10984205-G-A. GRCh37 (hg19) VCF-style: chr19-11094881-G-A.
Other names: c.54G>A, p.Pro18= (NM_001128844.3, NM_001128845.2, NM_001128846.2 and 5 more transcripts).
Identifiers: ClinVar variation 238505 (VCV000238505.33), dbSNP rs529632222, ClinGen allele CA9203388.
Genomic context (GRCh38, chr19:10,984,205, plus strand): 5'-CGTGAAGATGTCCACTCCAGACCCACCCCTGGGCGGAACTCCTCGGCCAGGTCCTTCCCC[G>A]GGCCCTGGCCCTTCCCCTGGAGCCATGCTGGGCCCTAGCCCGGGTCCCTCGCCGGGCTCC-3'
Protein context (NP_003063.2, residues 8-28): LGGTPRPGPS[Pro18=]GPGPSPGAML